The following is an entry in ClinVar:

ClinVar aggregate classification (germline): Pathogenic (1 of 4 stars; one submission).

Conditions:
Familial hemophagocytic lymphohistiocytosis 3 (FHL3). Also called: UNC13D-Related Familial Hemophagocytic Lymphohistiocytosis (UNC13D-fHLH). Identifiers: Orphanet 540, MedGen C1837174, MONDO:0012146, OMIM 608898.

Submission:

Labcorp Genetics (formerly Invitae), Labcorp
Classification: Pathogenic for Familial hemophagocytic lymphohistiocytosis 3. Last evaluated: 2024-01-22. Review status: criteria provided, single submitter. Criteria: Invitae Variant Classification Sherloc (09022015). Collection method: clinical testing. Allele origin: germline.
Comment: This sequence change creates a premature translational stop signal (p.Gln736Argfs*59) in the UNC13D gene. It is expected to result in an absent or disrupted protein product. Loss-of-function variants in UNC13D are known to be pathogenic (PMID: 14622600). This variant is not present in population databases (gnomAD no frequency). This variant has not been reported in the literature in individuals affected with UNC13D-related conditions. For these reasons, this variant has been classified as Pathogenic.

Literature cited by the submitters: PubMed 14622600.

NM_199242.3(UNC13D):c.2207del (p.Gln736fs)

Gene: UNC13D (unc-13 homolog D; minus strand). Cytogenetic location: 17q25.1.
Variant type: Deletion.
Coding change: c.2207del on transcript NM_199242.3 (MANE Select); coding-DNA position 2207, one base deleted (A; older notation c.2207delA).
Protein change: p.Gln736fs; shifts the reading frame from glutamine 736.
Molecular consequence: frameshift variant.
Genome position (GRCh38, 1-based): chr17:75,834,416, T deleted on the plus strand (A on the coding strand, the reverse complement: UNC13D is on the minus strand). VCF-style (leftmost placement, unchanged base first): chr17-75834415-CT-C. GRCh37 (hg19) VCF-style: chr17-73830496-CT-C.
Other names: short protein forms Q736fs.
Identifiers: ClinVar variation 2864261 (VCV002864261.3), dbSNP rs2545980063, ClinGen allele CA2739268413.